The following is an entry in ClinVar:

NM_170675.5(MEIS2):c.1226C>T (p.Pro409Leu)

Gene: MEIS2 (Meis homeobox 2; minus strand). Cytogenetic location: 15q14.
Variant type: single nucleotide variant.
Coding change: c.1226C>T on transcript NM_170675.5 (MANE Select); coding-DNA position 1226, C replaced by T.
Protein change: p.Pro409Leu; replaces proline 409 with leucine.
Molecular consequence: missense variant. On other transcripts: 3 prime UTR variant (5), non-coding transcript variant (1).
Genome position (GRCh38, 1-based): chr15:36,892,381, G>A on the plus strand (C>T on the coding strand, the complement: MEIS2 is on the minus strand). VCF-style: chr15-36892381-G-A. GRCh37 (hg19) VCF-style: chr15-37184582-G-A.
Other names: c.1205C>T, p.Pro402Leu (NM_001220482.2, NM_170676.5); c.*116C>T (NM_002399.4, NM_170674.5, NM_170677.5 and 2 more transcripts); short protein forms P402L, P409L.
Identifiers: ClinVar variation 3347614 (VCV003347614.1).
Genomic context (GRCh38, chr15:36,892,381, plus strand): 5'-AAATATGAATGCATTGGGGGTCCATGTCTTAATTGAGTAGGGTGTGGGGTCATCTGGGGA[G>A]GAGTGTAACTTGGCTGTGCCATACTCATTCCCATAGGACCACCCTGAGAAACGTAGTCCC-3'
Protein context (NP_733775.1, residues 399-419): GMSMAQPSYT[Pro409Leu]PQMTPHPTQL

ClinVar aggregate classification (germline): Uncertain significance (0 of 4 stars; one submission).

Conditions:
MEIS2-related disorder.

gnomAD v4.1: 2 of 1,613,960 alleles (0.00012%); highest among the groups gnomAD compares: African/African-American, 0.0013%; no homozygotes.

Submission:

PreventionGenetics, part of Exact Sciences
Classification: Uncertain significance for MEIS2-related condition. Last evaluated: 2024-05-09. Review status: no assertion criteria provided. Collection method: clinical testing. Allele origin: germline.
Comment: The MEIS2 c.1226C>T variant is predicted to result in the amino acid substitution p.Pro409Leu. To our knowledge, this variant has not been reported in the literature or in a large population database, indicating this variant is rare. At this time, the clinical significance of this variant is uncertain due to the absence of conclusive functional and genetic evidence.